The following is an entry in ClinVar:

ClinVar aggregate classification (germline): Uncertain significance (1 of 4 stars; one submission).

Submission:

GeneDx
Classification: Uncertain significance. Last evaluated: 2024-12-16. Review status: criteria provided, single submitter. Criteria: GeneDx Variant Classification Process June 2021. Collection method: clinical testing. Allele origin: germline. Affected: yes.
Comment: Not observed at significant frequency in large population cohorts (gnomAD); In silico analysis indicates that this missense variant does not alter protein structure/function; Has not been previously published as pathogenic or benign to our knowledge

NM_000276.4(OCRL):c.1399A>G (p.Asn467Asp)

Gene: OCRL (OCRL inositol polyphosphate-5-phosphatase; plus strand). Cytogenetic location: Xq26.1.
Variant type: single nucleotide variant.
Coding change: c.1399A>G on transcript NM_000276.4 (MANE Select); coding-DNA position 1399, A replaced by G.
Protein change: p.Asn467Asp; replaces asparagine 467 with aspartic acid.
Molecular consequence: missense variant.
Genome position (GRCh38, 1-based): chrX:129,567,296, A>G. VCF-style: chrX-129567296-A-G. GRCh37 (hg19) VCF-style: chrX-128701273-A-G.
Other names: c.1402A>G, p.Asn468Asp (NM_001318784.2); c.1399A>G, p.Asn467Asp (NM_001587.4); short protein forms N467D, N468D.
Identifiers: ClinVar variation 3903079 (VCV003903079.1).